The following is an entry in ClinVar:

NM_016333.4(SRRM2):c.7430C>G (p.Ser2477Cys)

Gene: SRRM2 (serine/arginine repetitive matrix 2; plus strand). Cytogenetic location: 16p13.3.
Variant type: single nucleotide variant.
Coding change: c.7430C>G on transcript NM_016333.4 (MANE Select); coding-DNA position 7430, C replaced by G.
Protein change: p.Ser2477Cys; replaces serine 2477 with cysteine.
Molecular consequence: missense variant.
Genome position (GRCh38, 1-based): chr16:2,767,958, C>G. VCF-style: chr16-2767958-C-G. GRCh37 (hg19) VCF-style: chr16-2817959-C-G.
Other names: short protein forms S2477C.
Identifiers: ClinVar variation 3373051 (VCV003373051.1).

ClinVar aggregate classification (germline): Uncertain significance (1 of 4 stars; one submission).

gnomAD v4.1: 1 of 1,614,222 alleles (0.000062%); highest among the groups gnomAD compares: African/African-American, 0.0013%; no homozygotes.

Submission:

GeneDx
Classification: Uncertain significance. Last evaluated: 2024-04-24. Review status: criteria provided, single submitter. Criteria: GeneDx Variant Classification Process June 2021. Collection method: clinical testing. Allele origin: germline. Affected: yes.
Comment: Not observed at significant frequency in large population cohorts (gnomAD); In silico analysis indicates that this missense variant does not alter protein structure/function; Has not been previously published as pathogenic or benign to our knowledge